The following is an entry in ClinVar:

NM_031308.4(EPPK1):c.864C>T (p.Ala288=)

Gene: EPPK1 (epiplakin 1; minus strand). Cytogenetic location: 8q24.3.
Variant type: single nucleotide variant.
Coding change: c.864C>T on transcript NM_031308.4 (MANE Select); coding-DNA position 864, C replaced by T.
Protein change: p.Ala288=; no amino-acid change (alanine 288 retained).
Molecular consequence: synonymous variant.
Genome position (GRCh38, 1-based): chr8:143,872,390, G>A on the plus strand (C>T on the coding strand, the complement: EPPK1 is on the minus strand). VCF-style: chr8-143872390-G-A. GRCh37 (hg19) VCF-style: chr8-144946558-G-A.
Identifiers: ClinVar variation 3036082 (VCV003036082.2), dbSNP rs377524796, ClinGen allele CA4923509.

ClinVar aggregate classification (germline): Likely benign (0 of 4 stars; one submission).

Conditions:
EPPK1-related disorder. Also called: EPPK1-related condition.

Allele frequency attached by ClinVar (database versions not stated): gnomAD 0.00011; TOPMed 0.00014; 1000 Genomes Project 30x 0.00016; gnomAD exomes 0.00018; 1000 Genomes Project 0.00020; ExAC 0.00024; ESP Exome Variant Server 0.00039.

Submission:

PreventionGenetics, part of Exact Sciences
Classification: Likely benign for EPPK1-related condition. Last evaluated: 2021-06-29. Review status: no assertion criteria provided. Collection method: clinical testing. Allele origin: germline.
Comment: This variant is classified as likely benign based on ACMG/AMP sequence variant interpretation guidelines (Richards et al. 2015 PMID: 25741868, with internal and published modifications).